The following is an entry in ClinVar:

ClinVar aggregate classification (germline): Likely pathogenic (1 of 4 stars; one submission).

Conditions:
Usher syndrome type 1 (USH1). Also called: RETINITIS PIGMENTOSA AND CONGENITAL DEAFNESS. Identifiers: Orphanet 231169, Orphanet 886, MedGen C1568247, MONDO:0010168, OMIM 276900.

Submission:

Myriad Genetics, Inc.
Classification: Likely pathogenic for Usher syndrome type 1. Last evaluated: 2019-06-18. Review status: criteria provided, single submitter. Criteria: Myriad Women's Health Autosomal Recessive and X-Linked Classification Criteria (2019). Collection method: clinical testing. Allele origin: unknown.
Comment: NM_000260.3(MYO7A):c.6252C>G(Y2084*) is expected to be pathogenic in the context of MYO7A-related disorders. This variant is predicted to lead to an abnormal or absent protein product due to the creation of a premature termination codon in MYO7A, a gene where loss-of-function variants are known to be pathogenic. Please note: this variant was assessed in the context of healthy population screening.

NM_000260.4(MYO7A):c.6252C>G (p.Tyr2084Ter)

Gene: MYO7A (myosin VIIA; plus strand). Cytogenetic location: 11q13.5.
Variant type: single nucleotide variant.
Coding change: c.6252C>G on transcript NM_000260.4 (MANE Select); coding-DNA position 6252, C replaced by G.
Protein change: p.Tyr2084Ter; replaces tyrosine 2084 with a stop codon.
Molecular consequence: nonsense.
Genome position (GRCh38, 1-based): chr11:77,211,835, C>G. VCF-style: chr11-77211835-C-G. GRCh37 (hg19) VCF-style: chr11-76922880-C-G.
Other names: c.6138C>G, p.Tyr2046Ter (NM_001127180.2); c.6105C>G, p.Tyr2035Ter (NM_001369365.1); short protein forms Y2035*, Y2046*, Y2084*.
Identifiers: ClinVar variation 983992 (VCV000983992.3), dbSNP rs1957904821, ClinGen allele CA381936458.